The following is an entry in ClinVar:

NM_000135.4(FANCA):c.1579A>G (p.Asn527Asp)

Gene: FANCA (FA complementation group A; minus strand). Cytogenetic location: 16q24.3.
Variant type: single nucleotide variant.
Coding change: c.1579A>G on transcript NM_000135.4 (MANE Select); coding-DNA position 1579, A replaced by G.
Protein change: p.Asn527Asp; replaces asparagine 527 with aspartic acid.
Molecular consequence: missense variant.
Genome position (GRCh38, 1-based): chr16:89,782,906, T>C on the plus strand (A>G on the coding strand, the complement: FANCA is on the minus strand). VCF-style: chr16-89782906-T-C. GRCh37 (hg19) VCF-style: chr16-89849314-T-C.
Other names: c.1579A>G, p.Asn527Asp (NM_001286167.3); short protein forms N527D.
Identifiers: ClinVar variation 4254215 (VCV004254215.1).

ClinVar aggregate classification (germline): Uncertain significance (1 of 4 stars; one submission).

Conditions:
Inborn genetic diseases. Identifiers: MedGen C0950123, MeSH D030342.

gnomAD v4.1: 1 of 1,614,126 alleles (0.000062%); highest among the groups gnomAD compares: East Asian, 0.0022%; no homozygotes.

Submission:

Ambry Genetics
Classification: Uncertain significance for Inborn genetic diseases. Last evaluated: 2025-07-19. Review status: criteria provided, single submitter. Criteria: Ambry Variant Classification Scheme 2023. Collection method: clinical testing. Allele origin: germline.
Comment: The p.N527D variant (also known as c.1579A>G), located in coding exon 17 of the FANCA gene, results from an A to G substitution at nucleotide position 1579. The asparagine at codon 527 is replaced by aspartic acid, an amino acid with highly similar properties. This amino acid position is conserved. In addition, this alteration is predicted to be tolerated by in silico analysis. Based on the available evidence, the clinical significance of this variant remains unclear.